The following is an entry in ClinVar:

NM_006941.4(SOX10):c.122G>T (p.Gly41Val)

Genes: POLR2F (RNA polymerase II, I and III subunit F; plus strand), SOX10 (SRY-box transcription factor 10; minus strand). Cytogenetic location: 22q13.1.
Variant type: single nucleotide variant.
Coding change: c.122G>T on transcript NM_006941.4 (MANE Select); coding-DNA position 122, G replaced by T.
Protein change: p.Gly41Val; replaces glycine 41 with valine.
Molecular consequence: missense variant. On other transcripts: intron variant (3).
Genome position (GRCh38, 1-based): chr22:37,983,663, C>A on the plus strand (G>T on the coding strand, the complement: SOX10 is on the minus strand). VCF-style: chr22-37983663-C-A. GRCh37 (hg19) VCF-style: chr22-38379670-C-A.
Other names: c.*38+11353C>A (NM_001363825.1); c.294-2491C>A (NM_001301130.2); c.293+16493C>A (NM_001301131.2); short protein forms G41V.
Identifiers: ClinVar variation 341622 (VCV000341622.21), dbSNP rs199750760, ClinGen allele CA10228725.

ClinVar aggregate classification (germline): Benign/Likely benign. Review status: criteria provided, multiple submitters, no conflicts (2 of 4 stars). 6 submissions from 5 submitters: Benign (3); Likely benign (3). Last evaluated 2025-12-16.

Conditions:
Waardenburg syndrome. Also called: Waardenburg's syndrome. Identifiers: Orphanet 3440, MedGen C3266898, MONDO:0018094.
PCWH syndrome. Also called: WAARDENBURG-SHAH SYNDROME, NEUROLOGIC VARIANT. Identifiers: Orphanet 163746, MedGen C1836727, MONDO:0012198, OMIM 609136.

Allele frequency attached by ClinVar (database versions not stated): ESP Exome Variant Server 0.00008; 1000 Genomes Project 30x 0.00172; gnomAD 0.00040 and 0.00031; ExAC 0.00061; TOPMed 0.00045; 1000 Genomes Project 0.00220.
gnomAD v4.1: 393 of 1,584,728 alleles (0.025%); highest among the groups gnomAD compares: East Asian, 0.68%; 1 homozygote.

Submissions (6):

Labcorp Genetics (formerly Invitae), Labcorp
Classification: Benign. Last evaluated: 2025-12-16. Review status: criteria provided, single submitter. Criteria: Invitae Variant Classification Sherloc (09022015). Collection method: clinical testing. Allele origin: germline.

Blueprint Genetics
Classification: Likely benign. Last evaluated: 2024-11-27. Review status: criteria provided, single submitter. Criteria: ACMG Guidelines, 2015. Collection method: clinical testing. Allele origin: germline.

GeneDx
Classification: Benign. Last evaluated: 2019-11-14. Review status: criteria provided, single submitter. Criteria: GeneDx Variant Classification Process June 2021. Collection method: clinical testing. Allele origin: germline. Affected: yes.
Comment: This variant is associated with the following publications: (PMID: 22008330, 30914325, 30936914)

Illumina Laboratory Services, Illumina
Classification: Likely benign for PCWH syndrome. Last evaluated: 2017-04-27. Review status: criteria provided, single submitter. Criteria: ICSL Variant Classification Criteria 13 December 2019. Collection method: clinical testing. Allele origin: germline.
Comment: This variant was observed as part of a predisposition screen in an ostensibly healthy population. A literature search was performed for the gene, cDNA change, and amino acid change (where applicable). No publications were found based on this search. Allele frequency data from public databases allowed determination this variant is unlikely to cause disease. Therefore, this variant is classified as likely benign.

Illumina Laboratory Services, Illumina
Classification: Likely benign for Waardenburg syndrome. Last evaluated: 2017-04-27. Review status: criteria provided, single submitter. Criteria: ICSL Variant Classification Criteria 13 December 2019. Collection method: clinical testing. Allele origin: germline.
Comment: the same text as in the submission from Illumina Laboratory Services, Illumina above.

Laboratory for Molecular Medicine, Mass General Brigham Personalized Medicine
Classification: Benign. Last evaluated: 2016-12-22. Review status: criteria provided, single submitter. Criteria: LMM Criteria. Collection method: clinical testing. Allele origin: germline. Observed: 2 variant alleles.
Comment: p.Gly41Val in exon 2 of SOX10: This variant is not expected to have clinical sig nificance because it has been identified in 0.71% (118/4634) of East Asian chrom osomes by the Genome Aggregation Database (gnomAD. org; dbSNP rs199750760). Additionally, this variant was reported as a polymorphi sm in a case-control study on Hirschsprung disease in the Han Chinese population (Pan 2011).

Literature cited by the submitters: PubMed 22008330 (cited by Laboratory for Molecular Medicine, Mass General Brigham Personalized Medicine).